The following is an entry in ClinVar:

NM_001371623.1(TCOF1):c.1034A>G (p.Glu345Gly)

Gene: TCOF1 (treacle ribosome biogenesis factor 1; plus strand). Cytogenetic location: 5q32.
Variant type: single nucleotide variant.
Coding change: c.1034A>G on transcript NM_001371623.1 (MANE Select); coding-DNA position 1034, A replaced by G.
Protein change: p.Glu345Gly; replaces glutamic acid 345 with glycine.
Molecular consequence: missense variant.
Genome position (GRCh38, 1-based): chr5:150,374,337, A>G. VCF-style: chr5-150374337-A-G. GRCh37 (hg19) VCF-style: chr5-149753900-A-G.
Other names: c.803A>G, p.Glu268Gly (NM_000356.4, NM_001135245.2); c.1034A>G, p.Glu345Gly (NM_001008657.3, NM_001135243.2, NM_001135244.2 and 1 more transcripts); short protein forms E268G, E345G.
Identifiers: ClinVar variation 501117 (VCV000501117.18), dbSNP rs150637771, ClinGen allele CA3510718.
Genomic context (GRCh38, chr5:150,374,337, plus strand): 5'-CTGTAGCCTCCCAGACCAAGGCAGGGAAGCCAGAGGAGGACTCAGAGAGCAGCAGCGAGG[A>G]GTCATCTGACAGTGAGGAGGAGACGCCAGCTGCCAAGGCCCTGCTTCAGGTGAGGCCTGA-3'
Protein context (NP_001358552.1, residues 335-355): PEEDSESSSE[Glu345Gly]SSDSEEETPA

ClinVar aggregate classification (germline): Conflicting classifications of pathogenicity. Review status: criteria provided, conflicting classifications (1 of 4 stars). 5 submissions from 5 submitters: Uncertain significance (2); Benign (2). 1 of the submissions does not count toward it. Last evaluated 2025-11-17.

Conditions:
Treacher Collins syndrome 1 (TCS1). Also called: TCOF1-Related Treacher Collins Syndrome. Identifiers: Orphanet 861, MedGen CN315775, MONDO:0007944, OMIM 154500.
TCOF1-related disorder. Also called: TCOF1-related condition.
Inborn genetic diseases. Identifiers: MedGen C0950123, MeSH D030342.

Allele frequency attached by ClinVar (database versions not stated): gnomAD exomes 0.00009 and 0.00019; 1000 Genomes Project 30x 0.00031; 1000 Genomes Project 0.00040; ExAC 0.00053; ESP Exome Variant Server 0.00093; gnomAD 0.00093 and 0.00102; TOPMed 0.00102.
gnomAD v4.1: 272 of 1,567,698 alleles (0.017%); highest among the groups gnomAD compares: African/African-American, 0.34%; 1 homozygote.

Submissions (5):

Labcorp Genetics (formerly Invitae), Labcorp
Classification: Benign for Treacher Collins syndrome 1. Last evaluated: 2025-11-17. Review status: criteria provided, single submitter. Criteria: Invitae Variant Classification Sherloc (09022015). Collection method: clinical testing. Allele origin: germline.

Ambry Genetics
Classification: Uncertain significance for Inborn genetic diseases. Last evaluated: 2024-12-04. Review status: criteria provided, single submitter. Criteria: Ambry Variant Classification Scheme 2023. Collection method: clinical testing. Allele origin: germline.

GeneDx
Classification: Benign. Last evaluated: 2019-11-11. Review status: criteria provided, single submitter. Criteria: GeneDx Variant Classification Process June 2021. Collection method: clinical testing. Allele origin: germline. Affected: yes.

Eurofins Ntd Llc (ga)
Classification: Uncertain significance. Last evaluated: 2017-04-17. Review status: criteria provided, single submitter. Criteria: EGL Classification Definitions 2015. Collection method: clinical testing. Allele origin: germline. Observed: 1 variant allele, 1 heterozygote.

PreventionGenetics, part of Exact Sciences
Classification: Likely benign for TCOF1-related condition. Last evaluated: 2019-09-24. Review status: no assertion criteria provided. Collection method: clinical testing. Allele origin: germline. Not counted in ClinVar's aggregate classification.
Comment: This variant is classified as likely benign based on ACMG/AMP sequence variant interpretation guidelines (Richards et al. 2015 PMID: 25741868, with internal and published modifications).